The following is an entry in ClinVar:

ClinVar aggregate classification (germline): Conflicting classifications of pathogenicity. Review status: criteria provided, conflicting classifications (1 of 4 stars). 3 submissions from 3 submitters: Uncertain significance (2); Likely benign (1). Last evaluated 2024-12-17.

Conditions:
Renal cell carcinoma. Identifiers: Orphanet 217071, MedGen C0007134, MeSH D002292, MONDO:0005086, HP:0005584.
Hereditary cancer-predisposing syndrome. Also called: Hereditary Cancer Syndrome; Tumor predisposition; Neoplastic Syndromes, Hereditary; Hereditary neoplastic syndrome. Identifiers: Orphanet 140162, MedGen C0027672, MeSH D009386, MONDO:0015356.
Autosomal recessive nonsyndromic hearing loss 97. Also called: Deafness, autosomal recessive 97. Identifiers: Orphanet 90636, MedGen C4084709, MONDO:0014739, OMIM 616705.

Allele frequency attached by ClinVar (database versions not stated): ESP Exome Variant Server 0.00008.
gnomAD v4.1: 1 of 1,614,004 alleles (0.000062%); no homozygotes.

Submissions (3):

Ambry Genetics
Classification: Likely benign for Hereditary cancer-predisposing syndrome. Last evaluated: 2024-12-17. Review status: criteria provided, single submitter. Criteria: Ambry Variant Classification Scheme 2023. Collection method: clinical testing. Allele origin: germline.

Baylor Genetics
Classification: Uncertain significance for Autosomal recessive nonsyndromic hearing loss 97. Last evaluated: 2023-12-24. Review status: criteria provided, single submitter. Criteria: ACMG Guidelines, 2015. Collection method: clinical testing. Allele origin: unknown.

Labcorp Genetics (formerly Invitae), Labcorp
Classification: Uncertain significance for Renal cell carcinoma. Last evaluated: 2019-02-25. Review status: criteria provided, single submitter. Criteria: Invitae Variant Classification Sherloc (09022015). Collection method: clinical testing. Allele origin: germline.
Comment: This variant has not been reported in the literature in individuals with MET-related conditions. This sequence change replaces histidine with aspartic acid at codon 61 of the MET protein (p.His61Asp). The histidine residue is moderately conserved and there is a moderate physicochemical difference between histidine and aspartic acid. This variant is present in population databases (rs368942722, ExAC 0.001%). Algorithms developed to predict the effect of missense changes on protein structure and function are either unavailable or do not agree on the potential impact of this missense change (SIFT: "Tolerated"; PolyPhen-2: "Possibly Damaging"; Align-GVGD: "Class C0"). In summary, the available evidence is currently insufficient to determine the role of this variant in disease. Therefore, it has been classified as a Variant of Uncertain Significance.

NM_000245.4(MET):c.181C>G (p.His61Asp)

Gene: MET (MET proto-oncogene, receptor tyrosine kinase; plus strand). Cytogenetic location: 7q31.2.
Variant type: single nucleotide variant.
Coding change: c.181C>G on transcript NM_000245.4 (MANE Select); coding-DNA position 181, C replaced by G.
Protein change: p.His61Asp; replaces histidine 61 with aspartic acid.
Molecular consequence: missense variant. On other transcripts: intron variant (1).
Genome position (GRCh38, 1-based): chr7:116,699,265, C>G. VCF-style: chr7-116699265-C-G. GRCh37 (hg19) VCF-style: chr7-116339319-C-G.
Other names: c.181C>G, p.His61Asp (NM_001127500.3, NM_001324401.3); c.-91+26688C>G (NM_001324402.2); short protein forms H61D.
Identifiers: ClinVar variation 864672 (VCV000864672.14), dbSNP rs368942722, ClinGen allele CA4447955.